The following is an entry in ClinVar:

NM_002834.5(PTPN11):c.575A>C (p.Asp192Ala)

Gene: PTPN11 (protein tyrosine phosphatase non-receptor type 11; plus strand). Cytogenetic location: 12q24.13.
Variant type: single nucleotide variant.
Coding change: c.575A>C on transcript NM_002834.5 (MANE Select); coding-DNA position 575, A replaced by C.
Protein change: p.Asp192Ala; replaces aspartic acid 192 with alanine.
Molecular consequence: missense variant.
Genome position (GRCh38, 1-based): chr12:112,454,613, A>C. VCF-style: chr12-112454613-A-C. GRCh37 (hg19) VCF-style: chr12-112892417-A-C.
Other names: c.575A>C, p.Asp192Ala (NM_001330437.2, NM_080601.3); c.572A>C, p.Asp191Ala (NM_001374625.1); short protein forms D191A, D192A.
Identifiers: ClinVar variation 2080560 (VCV002080560.4), dbSNP rs2135869587, ClinGen allele CA386782391.

ClinVar aggregate classification (germline): Uncertain significance (1 of 4 stars; one submission).

Conditions:
RASopathy. Also called: rasopathies; Noonan spectrum disorder. Identifiers: Orphanet 536391, MedGen C5555857, MONDO:0021060.

Submission:

Labcorp Genetics (formerly Invitae), Labcorp
Classification: Uncertain significance for RASopathy. Last evaluated: 2022-06-13. Review status: criteria provided, single submitter. Criteria: Invitae Variant Classification Sherloc (09022015). Collection method: clinical testing. Allele origin: germline.
Comment: This variant has not been reported in the literature in individuals affected with PTPN11-related conditions. In summary, the available evidence is currently insufficient to determine the role of this variant in disease. Therefore, it has been classified as a Variant of Uncertain Significance. Advanced modeling of protein sequence and biophysical properties (such as structural, functional, and spatial information, amino acid conservation, physicochemical variation, residue mobility, and thermodynamic stability) performed at Invitae indicates that this missense variant is expected to disrupt PTPN11 protein function. This variant is not present in population databases (gnomAD no frequency). This sequence change replaces aspartic acid, which is acidic and polar, with alanine, which is neutral and non-polar, at codon 192 of the PTPN11 protein (p.Asp192Ala).